The following is an entry in ClinVar:

ClinVar aggregate classification (germline): Conflicting classifications of pathogenicity. Review status: criteria provided, conflicting classifications (1 of 4 stars). 5 submissions from 5 submitters: Uncertain significance (2); Likely benign (2). 1 of the submissions does not count toward it. Last evaluated 2026-06-15.

Conditions:
PDGFRA-related disorder. Also called: PDGFRA-related condition.
Gastrointestinal stromal tumor. Also called: Gastrointestinal stromal tumor, somatic; Gastrointestinal stroma tumor. Identifiers: Orphanet 44890, MedGen C0238198, MeSH D046152, MONDO:0011719, OMIM 606764, HP:0100723.
Polyps, multiple and recurrent inflammatory fibroid, gastrointestinal. Identifiers: MedGen C5193005, MONDO:0008285, OMIM 175510.
Hereditary cancer-predisposing syndrome. Also called: Neoplastic Syndromes, Hereditary; Hereditary Cancer Syndrome; Hereditary neoplastic syndrome; Tumor predisposition. Identifiers: Orphanet 140162, MedGen C0027672, MeSH D009386, MONDO:0015356.

Allele frequency attached by ClinVar (database versions not stated): gnomAD 0.00001; ExAC 0.00002; TOPMed 0.00002; gnomAD exomes 0.00004 and 0.00006; ESP Exome Variant Server 0.00008.
gnomAD v4.1: 86 of 1,613,590 alleles (0.0053%); highest among the groups gnomAD compares: Non-Finnish European, 0.007%; no homozygotes.

Submissions (5):

Myriad Genetics, Inc.
Classification: Likely benign for Polyps, multiple and recurrent inflammatory fibroid, gastrointestinal. Last evaluated: 2026-06-15. Review status: criteria provided, single submitter. Criteria: Myriad Autosomal Dominant, Autosomal Recessive and X-Linked Classification Criteria (2023). Collection method: clinical testing. Allele origin: unknown.
Comment: This variant is considered likely benign. This variant is intronic and is not expected to impact mRNA splicing. This variant has been observed at a population frequency that is significantly greater than expected given the associated disease prevalence and penetrance.

Labcorp Genetics (formerly Invitae), Labcorp
Classification: Uncertain significance for Gastrointestinal stromal tumor. Last evaluated: 2026-01-05. Review status: criteria provided, single submitter. Criteria: Invitae Variant Classification Sherloc (09022015). Collection method: clinical testing. Allele origin: germline.
Comment: This sequence change falls in intron 18 of the PDGFRA gene. It does not directly change the encoded amino acid sequence of the PDGFRA protein. It affects a nucleotide within the consensus splice site. This variant is present in population databases (rs374253258, gnomAD 0.004%). This variant has not been reported in the literature in individuals affected with PDGFRA-related conditions. ClinVar contains an entry for this variant (Variation ID: 407368). Variants that disrupt the consensus splice site are a relatively common cause of aberrant splicing (PMID: 17576681, 9536098). Algorithms developed to predict the effect of sequence changes on RNA splicing suggest that this variant is not likely to affect RNA splicing. In summary, the available evidence is currently insufficient to determine the role of this variant in disease. Therefore, it has been classified as a Variant of Uncertain Significance.

Ambry Genetics
Classification: Likely benign for Hereditary cancer-predisposing syndrome. Last evaluated: 2024-03-20. Review status: criteria provided, single submitter. Criteria: Ambry Variant Classification Scheme 2023. Collection method: clinical testing. Allele origin: germline.

Sema4
Classification: Uncertain significance for Hereditary cancer-predisposing syndrome. Last evaluated: 2021-04-22. Review status: criteria provided, single submitter. Criteria: Sema4 Curation Guidelines. Collection method: curation. Allele origin: germline.
Comment: The PDGFRA c.2562+4C>T variant has not been reported in the literature to our knowledge. This variant was observed in 6/113640 chromosomes of the Non-Finnish European subpopulation in the large and broad populations by the Genome Aggregation Database (PMID: 32461654). The variant has been reported in ClinVar (Variation ID 407368). In silico tools suggest the impact of the variant on protein function is benign, though these predictions have not been confirmed by functional studies. The overall evidence is insufficient to meet ACMG/AMP criteria for classifying it as benign or pathogenic. In summary, the clinical significance of this variant is currently uncertain.

PreventionGenetics, part of Exact Sciences
Classification: Likely benign for PDGFRA-related condition. Last evaluated: 2023-03-22. Review status: no assertion criteria provided. Collection method: clinical testing. Allele origin: germline. Not counted in ClinVar's aggregate classification.
Comment: This variant is classified as likely benign based on ACMG/AMP sequence variant interpretation guidelines (Richards et al. 2015 PMID: 25741868, with internal and published modifications).

Literature cited by the submitters: PubMed 17576681 (cited by Labcorp Genetics (formerly Invitae), Labcorp); PubMed 9536098 (cited by Labcorp Genetics (formerly Invitae), Labcorp).

NM_006206.6(PDGFRA):c.2562+4C>T

Gene: PDGFRA (platelet derived growth factor receptor alpha; plus strand). Cytogenetic location: 4q12.
Variant type: single nucleotide variant.
Coding change: c.2562+4C>T on transcript NM_006206.6 (MANE Select); 4 bases into the intron after coding-DNA position 2562, C replaced by T.
Molecular consequence: intron variant.
Genome position (GRCh38, 1-based): chr4:54,285,967, C>T. VCF-style: chr4-54285967-C-T. GRCh37 (hg19) VCF-style: chr4-55152134-C-T.
Other names: c.2562+4C>T (NM_006206.5, NM_001347829.2); c.2637+4C>T (NM_001347828.2); c.2601+4C>T (NM_001347830.2).
Identifiers: ClinVar variation 407368 (VCV000407368.18), dbSNP rs374253258, ClinGen allele CA2922891.
Genomic context (GRCh38, chr4:54,285,967, plus strand): 5'-GACTTTGGCCTGGCCAGAGACATCATGCATGATTCGAACTATGTGTCGAAAGGCAGTGTA[C>T]GTCCTCACTTCCCTCACTGGTCAGGCTCATCCTCCTTCACTTTAATCTCTAAAGTCAGGT-3'